The following is an entry in ClinVar:

ClinVar aggregate classification (germline): Uncertain significance (1 of 4 stars; one submission).

Conditions:
Netherton syndrome (NETH). Also called: ERYTHRODERMA, ICHTHYOSIFORM, WITH HYPOTRICHOSIS AND HYPER-IgE; COMEL-NETHERTON SYNDROME; NETHERTON DISEASE. Identifiers: Orphanet 634, MedGen C5574950, MONDO:0009735, OMIM 256500.

Allele frequency attached by ClinVar (database versions not stated): gnomAD exomes below 0.00001 and 0.00001; gnomAD 0.00001; TOPMed 0.00001.
gnomAD v4.1: 4 of 1,613,462 alleles (0.00025%); highest among the groups gnomAD compares: Admixed American, 0.005%; no homozygotes.

Submission:

Labcorp Genetics (formerly Invitae), Labcorp
Classification: Uncertain significance for Ichthyosis linearis circumflexa. Last evaluated: 2021-09-01. Review status: criteria provided, single submitter. Criteria: Invitae Variant Classification Sherloc (09022015). Collection method: clinical testing. Allele origin: germline.
Comment: This sequence change replaces glutamine with lysine at codon 609 of the SPINK5 protein (p.Gln609Lys). The glutamine residue is highly conserved and there is a small physicochemical difference between glutamine and lysine. This variant is not present in population databases (ExAC no frequency). This variant has not been reported in the literature in individuals affected with SPINK5-related conditions. Algorithms developed to predict the effect of missense changes on protein structure and function are either unavailable or do not agree on the potential impact of this missense change (SIFT: "Deleterious"; PolyPhen-2: "Probably Damaging"; Align-GVGD: "Class C0"). In summary, the available evidence is currently insufficient to determine the role of this variant in disease. Therefore, it has been classified as a Variant of Uncertain Significance.

NM_006846.4(SPINK5):c.1825C>A (p.Gln609Lys)

Gene: SPINK5 (serine peptidase inhibitor Kazal type 5; plus strand). Cytogenetic location: 5q32.
Variant type: single nucleotide variant.
Coding change: c.1825C>A on transcript NM_006846.4 (MANE Select); coding-DNA position 1825, C replaced by A.
Protein change: p.Gln609Lys; replaces glutamine 609 with lysine.
Molecular consequence: missense variant.
Genome position (GRCh38, 1-based): chr5:148,112,872, C>A. VCF-style: chr5-148112872-C-A. GRCh37 (hg19) VCF-style: chr5-147492435-C-A.
Other names: c.1825C>A, p.Gln609Lys (NM_001127698.2, NM_001127699.2); short protein forms Q609K.
Identifiers: ClinVar variation 529162 (VCV000529162.8), dbSNP rs1366194827, ClinGen allele CA361641548.